The following is an entry in ClinVar:

ClinVar aggregate classification (germline): Uncertain significance. Review status: criteria provided, multiple submitters, no conflicts (2 of 4 stars). 2 submissions from 2 submitters: Uncertain significance (2). Last evaluated 2026-01-05.

Conditions:
Baller-Gerold syndrome (BGS). Also called: CRANIOSYNOSTOSIS WITH RADIAL DEFECTS. Identifiers: Orphanet 1225, MedGen C0265308, MONDO:0009039, OMIM 218600.
Inborn genetic diseases. Identifiers: MedGen C0950123, MeSH D030342.

Allele frequency attached by ClinVar (database versions not stated): gnomAD 0.00001; TOPMed 0.00001.
gnomAD v4.1: 1 of 1,611,962 alleles (0.000062%); highest among the groups gnomAD compares: African/African-American, 0.0013%; no homozygotes.

Submissions (2):

Labcorp Genetics (formerly Invitae), Labcorp
Classification: Uncertain significance for Baller-Gerold syndrome. Last evaluated: 2026-01-05. Review status: criteria provided, single submitter. Criteria: Invitae Variant Classification Sherloc (09022015). Collection method: clinical testing. Allele origin: germline.
Comment: This sequence change replaces glycine, which is neutral and non-polar, with glutamic acid, which is acidic and polar, at codon 1168 of the RECQL4 protein (p.Gly1168Glu). This variant is not present in population databases (gnomAD no frequency). This variant has not been reported in the literature in individuals affected with RECQL4-related conditions. ClinVar contains an entry for this variant (Variation ID: 2165231). Experimental studies and prediction algorithms are not available or were not evaluated, and the functional significance of this variant is currently unknown. In summary, the available evidence is currently insufficient to determine the role of this variant in disease. Therefore, it has been classified as a Variant of Uncertain Significance.

Ambry Genetics
Classification: Uncertain significance for Inborn genetic diseases. Last evaluated: 2024-12-08. Review status: criteria provided, single submitter. Criteria: Ambry Variant Classification Scheme 2023. Collection method: clinical testing. Allele origin: germline.
Comment: The c.3503G>A variant (also known as p.G1168E), located in coding exon 21 of the RECQL4 gene, results from a G to A substitution at nucleotide position 3503. The amino acid change results in glycine to glutamic acid at codon 1168, an amino acid with similar properties. However, this change occurs in the last base pair of coding exon 21, which makes it likely to have some effect on normal mRNA splicing. This amino acid position is conserved. In addition, the in silico prediction for this alteration is inconclusive. Based on the available evidence, the clinical significance of this variant remains unclear.

NM_004260.4(RECQL4):c.3503G>A (p.Gly1168Glu)

Gene: RECQL4 (RecQ like helicase 4; minus strand). Cytogenetic location: 8q24.3.
Variant type: single nucleotide variant.
Coding change: c.3503G>A on transcript NM_004260.4 (MANE Select); coding-DNA position 3503, G replaced by A.
Protein change: p.Gly1168Glu; replaces glycine 1168 with glutamic acid.
Molecular consequence: missense variant.
Genome position (GRCh38, 1-based): chr8:144,511,555, C>T on the plus strand (G>A on the coding strand, the complement: RECQL4 is on the minus strand). VCF-style: chr8-144511555-C-T. GRCh37 (hg19) VCF-style: chr8-145736938-C-T.
Other names: c.3503G>A (NM_004260.3); c.2366G>A, p.Gly789Glu (NM_001413027.1, NM_001413030.1, NM_001413032.1); c.2432G>A, p.Gly811Glu (NM_001413028.1, NM_001413034.1, NM_001413035.1 and 4 more transcripts); c.3152G>A, p.Gly1051Glu (NM_001413029.1); c.2234G>A, p.Gly745Glu (NM_001413031.1, NM_001413038.1); c.3371G>A, p.Gly1124Glu (NM_001413033.1); c.3512G>A, p.Gly1171Glu (NM_001413036.1); c.3209G>A, p.Gly1070Glu (NM_001413017.1); and 10 more; short protein forms G1168E, G811E, G1124E, G1125E, G1136E, G1158E, G767E, G1051E.
Identifiers: ClinVar variation 2165231 (VCV002165231.6), dbSNP rs1221050461, ClinGen allele CA372666270.